The following is an entry in ClinVar:

NM_000138.5(FBN1):c.6947G>A (p.Cys2316Tyr)

Gene: FBN1 (fibrillin 1; minus strand). Cytogenetic location: 15q21.1.
Variant type: single nucleotide variant.
Coding change: c.6947G>A on transcript NM_000138.5 (MANE Select); coding-DNA position 6947, G replaced by A.
Protein change: p.Cys2316Tyr; replaces cysteine 2316 with tyrosine.
Molecular consequence: missense variant.
Genome position (GRCh38, 1-based): chr15:48,428,396, C>T on the plus strand (G>A on the coding strand, the complement: FBN1 is on the minus strand). VCF-style: chr15-48428396-C-T. GRCh37 (hg19) VCF-style: chr15-48720593-C-T.
Other names: short protein forms C2316Y.
Identifiers: ClinVar variation 549378 (VCV000549378.19), dbSNP rs1555394629, ClinGen allele CA392330630.

ClinVar aggregate classification (germline): Pathogenic. Review status: criteria provided, multiple submitters, no conflicts (2 of 4 stars). 3 submissions from 3 submitters: Pathogenic (2). 1 of the submissions does not count toward it. Last evaluated 2025-04-17.

Conditions:
Familial thoracic aortic aneurysm and aortic dissection (TAAD). Also called: Thoracic aortic aneurysms and dissections. Identifiers: Orphanet 91387, MedGen C4707243, MONDO:0019625.
Marfan syndrome (MFS). Also called: Marfan syndrome type 1; Marfan syndrome, classic; Marfan's syndrome; FBN1-Related Marfan Syndrome; MARFAN SYNDROME, TYPE I. Identifiers: Orphanet 284963, Orphanet 558, MedGen C0024796, MONDO:0007947, OMIM 154700.

Submissions (3):

Ambry Genetics
Classification: Pathogenic for Familial thoracic aortic aneurysm and aortic dissection. Last evaluated: 2025-04-17. Review status: criteria provided, single submitter. Criteria: Ambry Variant Classification Scheme 2023. Collection method: clinical testing. Allele origin: germline.
Comment: The p.C2316Y pathogenic mutation (also known as c.6947G>A), located in coding exon 56 of the FBN1 gene, results from a G to A substitution at nucleotide position 6947. The cysteine at codon 2316 is replaced by tyrosine, an amino acid with highly dissimilar properties. This variant was reported in individual(s) with features consistent with Marfan syndrome or another type 1 fibrillinopathy (Takeda N et al. Circ Genom Precis Med, 2018 Jun;11:e002058; Meester JAN et al. Genet Med, 2022 May;24:1045-1053; Ambry internal data). The majority of FBN1 mutations identified to date have involved the substitution or generation of cysteine residues within cbEGF domains (Vollbrandt T et al. J Biol Chem. 2004;279(31):32924-32931). Internal structural analysis indicates this alteration eliminates a disulfide bond critical for the structural integrity of the cbEGF36 domain (Ambry internal data). This amino acid position is highly conserved in available vertebrate species. In addition, this alteration is predicted to be deleterious by in silico analysis. This variant is considered to be rare based on population cohorts in the Genome Aggregation Database (gnomAD). Based on the supporting evidence, this variant is interpreted as a disease-causing mutation.

Centre of Medical Genetics, University of Antwerp
Classification: Pathogenic for Marfan syndrome. Last evaluated: 2021-03-01. Review status: criteria provided, single submitter. Criteria: Submitter's publication. Collection method: research. Allele origin: unknown. Affected: yes.
Comment: PM2, PVS2, PP4

Center for Medical Genetics Ghent, University of Ghent
Classification: Likely pathogenic for Marfan syndrome. Last evaluated: 2017-11-07. Review status: no assertion criteria provided. Collection method: clinical testing. Allele origin: germline. Affected: yes. Not counted in ClinVar's aggregate classification.

Literature cited by the submitters: PubMed 29848614 (cited by Ambry Genetics); PubMed 35058154 (cited by Ambry Genetics).